The following is an entry in ClinVar:

ClinVar aggregate classification (germline): Uncertain significance. Review status: criteria provided, multiple submitters, no conflicts (2 of 4 stars). 2 submissions from 2 submitters: Uncertain significance (2). Last evaluated 2026-04-02.

Conditions:
Aortic valve disease 2 (AOVD2). Identifiers: MedGen C3542024, MONDO:0013902, OMIM 614823.
Inborn genetic diseases. Identifiers: MedGen C0950123, MeSH D030342.

Allele frequency attached by ClinVar (database versions not stated): gnomAD exomes below 0.00001.
gnomAD v4.1: 2 of 1,608,982 alleles (0.00012%); highest among the groups gnomAD compares: Non-Finnish European, 0.00017%; no homozygotes.

Submissions (2):

Ambry Genetics
Classification: Uncertain significance for Inborn genetic diseases. Last evaluated: 2026-04-02. Review status: criteria provided, single submitter. Criteria: Ambry Variant Classification Scheme 2023. Collection method: clinical testing. Allele origin: germline.
Comment: The p.D359H variant (also known as c.1075G>C), located in coding exon 4 of the SMAD6 gene, results from a G to C substitution at nucleotide position 1075. The aspartic acid at codon 359 is replaced by histidine, an amino acid with similar properties. This amino acid position is conserved. In addition, this alteration is predicted to be deleterious by in silico analysis. Based on the available evidence, the clinical significance of this variant remains unclear.

Labcorp Genetics (formerly Invitae), Labcorp
Classification: Uncertain significance for Aortic valve disease 2. Last evaluated: 2021-11-19. Review status: criteria provided, single submitter. Criteria: Invitae Variant Classification Sherloc (09022015). Collection method: clinical testing. Allele origin: germline.
Comment: This sequence change replaces aspartic acid, which is acidic and polar, with histidine, which is basic and polar, at codon 359 of the SMAD6 protein (p.Asp359His). In summary, the available evidence is currently insufficient to determine the role of this variant in disease. Therefore, it has been classified as a Variant of Uncertain Significance. Algorithms developed to predict the effect of missense changes on protein structure and function (SIFT, PolyPhen-2, Align-GVGD) all suggest that this variant is likely to be disruptive. ClinVar contains an entry for this variant (Variation ID: 651267). This variant has not been reported in the literature in individuals affected with SMAD6-related conditions. This variant is not present in population databases (gnomAD no frequency).

NM_005585.5(SMAD6):c.1075G>C (p.Asp359His)

Gene: SMAD6 (SMAD family member 6; plus strand). Cytogenetic location: 15q22.31.
Variant type: single nucleotide variant.
Coding change: c.1075G>C on transcript NM_005585.5 (MANE Select); coding-DNA position 1075, G replaced by C.
Protein change: p.Asp359His; replaces aspartic acid 359 with histidine.
Molecular consequence: missense variant. On other transcripts: non-coding transcript variant (1).
Genome position (GRCh38, 1-based): chr15:66,781,119, G>C. VCF-style: chr15-66781119-G-C. GRCh37 (hg19) VCF-style: chr15-67073457-G-C.
Other names: short protein forms D359H.
Identifiers: ClinVar variation 651267 (VCV000651267.9), dbSNP rs1595804836, ClinGen allele CA393201807.